The following is an entry in ClinVar:

NM_000532.5(PCCB):c.654+465T>C

Gene: PCCB (propionyl-CoA carboxylase subunit beta; plus strand). Cytogenetic location: 3q22.3.
Variant type: single nucleotide variant.
Coding change: c.654+465T>C on transcript NM_000532.5 (MANE Select); 465 bases into the intron after coding-DNA position 654, T replaced by C.
Molecular consequence: intron variant.
Genome position (GRCh38, 1-based): chr3:136,284,412, T>C. VCF-style: chr3-136284412-T-C. GRCh37 (hg19) VCF-style: chr3-136003254-T-C.
Other names: c.714+465T>C (NM_001178014.2).
Identifiers: ClinVar variation 509274 (VCV000509274.1), dbSNP rs1332518948, ClinGen allele CA658796383.

ClinVar aggregate classification (germline): Likely benign (1 of 4 stars; one submission).

Allele frequency attached by ClinVar (database versions not stated): TOPMed below 0.00001.

Submission:

GeneDx
Classification: Likely benign. Last evaluated: 2017-05-15. Review status: criteria provided, single submitter. Criteria: GeneDx Variant Classification (06012015). Collection method: clinical testing. Allele origin: germline. Affected: yes.
Comment: This variant is considered likely benign or benign based on one or more of the following criteria: it is a conservative change, it occurs at a poorly conserved position in the protein, it is predicted to be benign by multiple in silico algorithms, and/or has population frequency not consistent with disease.